The following is an entry in ClinVar:

NM_022482.5(GZF1):c.127C>T (p.Arg43Cys)

Gene: GZF1 (GDNF inducible zinc finger protein 1; plus strand). Cytogenetic location: 20p11.21.
Variant type: single nucleotide variant.
Coding change: c.127C>T on transcript NM_022482.5 (MANE Select); coding-DNA position 127, C replaced by T.
Protein change: p.Arg43Cys; replaces arginine 43 with cysteine.
Molecular consequence: missense variant.
Genome position (GRCh38, 1-based): chr20:23,364,510, C>T. VCF-style: chr20-23364510-C-T. GRCh37 (hg19) VCF-style: chr20-23345147-C-T.
Other names: c.127C>T, p.Arg43Cys (NM_001317012.2, NM_001317019.1); short protein forms R43C.
Identifiers: ClinVar variation 1368641 (VCV001368641.5), dbSNP rs372760791, ClinGen allele CA9788465.

ClinVar aggregate classification (germline): Uncertain significance (1 of 4 stars; one submission).

Allele frequency attached by ClinVar (database versions not stated): ExAC 0.00002; gnomAD exomes 0.00003; gnomAD 0.00004 and 0.00005; TOPMed 0.00005; ESP Exome Variant Server 0.00008.
gnomAD v4.1: 50 of 1,614,054 alleles (0.0031%); highest among the groups gnomAD compares: Admixed American, 0.025%; no homozygotes.

Submission:

Labcorp Genetics (formerly Invitae), Labcorp
Classification: Uncertain significance. Last evaluated: 2022-06-20. Review status: criteria provided, single submitter. Criteria: Invitae Variant Classification Sherloc (09022015). Collection method: clinical testing. Allele origin: germline.
Comment: This sequence change replaces arginine, which is basic and polar, with cysteine, which is neutral and slightly polar, at codon 43 of the GZF1 protein (p.Arg43Cys). This variant is present in population databases (rs372760791, gnomAD 0.02%). This variant has not been reported in the literature in individuals affected with GZF1-related conditions. Algorithms developed to predict the effect of missense changes on protein structure and function output the following: SIFT: "Not Available"; PolyPhen-2: "Benign"; Align-GVGD: "Not Available". The cysteine amino acid residue is found in multiple mammalian species, which suggests that this missense change does not adversely affect protein function. In summary, the available evidence is currently insufficient to determine the role of this variant in disease. Therefore, it has been classified as a Variant of Uncertain Significance.